The following is an entry in ClinVar:

NM_006005.3(WFS1):c.740_741del (p.Phe247fs)

Gene: WFS1 (wolframin ER transmembrane glycoprotein; plus strand). Cytogenetic location: 4p16.1.
Variant type: Deletion.
Coding change: c.740_741del on transcript NM_006005.3 (MANE Select); coding-DNA positions 740 to 741, 2 bases deleted (TT; older notation c.740_741delTT).
Protein change: p.Phe247fs; shifts the reading frame from phenylalanine 247.
Molecular consequence: frameshift variant.
Genome position (GRCh38, 1-based): chr4:6,295,068-6,295,069, TT deleted; deleting any 2 consecutive bases within chr4:6,295,067-6,295,069 gives the same sequence; the c. name uses the placement nearest the transcript's 3' end. VCF-style (leftmost placement, unchanged base first): chr4-6295066-CTT-C. GRCh37 (hg19) VCF-style: chr4-6296793-CTT-C.
Other names: c.740_741del, p.Phe247fs (NM_001145853.1); c.740_741delTT (NM_006005.3); short protein forms F247fs.
Identifiers: ClinVar variation 3376556 (VCV003376556.1).

ClinVar aggregate classification (germline): Pathogenic (1 of 4 stars; one submission).

Conditions:
Wolfram syndrome 1 (WFS1). Identifiers: Orphanet 3463, MedGen C4551693, MONDO:0009101, OMIM 222300.

Submission:

Victorian Clinical Genetics Services, Murdoch Childrens Research Institute
Classification: Pathogenic for Wolfram syndrome 1. Last evaluated: 2021-05-06. Review status: criteria provided, single submitter. Criteria: ACMG Guidelines, 2015. Collection method: clinical testing. Allele origin: germline. Inheritance: Autosomal recessive inheritance.
Comment: Based on the classification scheme VCGS_Germline_v1.3.4, this variant is classified as Pathogenic. Following criteria are met: 0102 - Loss of function is a known mechanism of disease in this gene and is associated with deafness, autosomal dominant 6/14/38 (MIM#600965), Wolfram syndrome 1 (MIM#222300), Wolfram-like syndrome, autosomal dominant (MIM#614296). Dominant negative is the suggested mechanism for missense variants in autosomal dominant inheritance however, functional studies are inconclusive (PMID: 32219690). (I) 0108 - This gene is associated with both recessive and dominant disease. While the genotype-phenotype correlation is unestablished, biallelic loss-of-function variants leads to a more severe and early onset disease (GeneReviews). (I) 0201 - Variant is predicted to cause nonsense-mediated decay (NMD) and loss of protein (premature termination codon is located at least 54 nucleotides upstream of the final exon-exon junction). (SP) 0251 - This variant is heterozygous. (I) 0301 - Variant is absent from gnomAD (both v2 and v3). (SP) 0701 - Other NMD-predicted variants comparable to the one identified in this case have very strong previous evidence for pathogenicity. At least ten NMD-predicted variants have been reported in WFS1-related disorders (ClinVar, PMID: 23429432). (SP) 0802 - This variant has moderate previous evidence of pathogenicity in unrelated individuals. At least four unrelated probands with Wolfram syndrome 1 (MIM#3222300) have been reported either as compound heterozygotes or with unreported zygosity. This includes a large family with unaffected carriers (PMID: 27617222, 26025012, 21602428). (SP) 1208 - Inheritance information for this variant is not currently available in this individual. (I) Legend: (SP) - Supporting pathogenic, (I) - Information, (SB) - Supporting benign

Literature cited by the submitters: PubMed 21602428; PubMed 23429432; PubMed 26025012; PubMed 27617222; PubMed 32219690.